The following is an entry in ClinVar:

NM_001321075.3(DLG4):c.379G>A (p.Glu127Lys)

Gene: DLG4 (discs large MAGUK scaffold protein 4; minus strand). Cytogenetic location: 17p13.1.
Variant type: single nucleotide variant.
Coding change: c.379G>A on transcript NM_001321075.3 (MANE Select); coding-DNA position 379, G replaced by A.
Protein change: p.Glu127Lys; replaces glutamic acid 127 with lysine.
Molecular consequence: missense variant. On other transcripts: non-coding transcript variant (1).
Genome position (GRCh38, 1-based): chr17:7,203,550, C>T on the plus strand (G>A on the coding strand, the complement: DLG4 is on the minus strand). VCF-style: chr17-7203550-C-T. GRCh37 (hg19) VCF-style: chr17-7106869-C-T.
Other names: c.370G>A, p.Glu124Lys (NM_001128827.4); c.499G>A, p.Glu167Lys (NM_001321074.1); c.199G>A, p.Glu67Lys (NM_001321076.3, NM_001321077.3); c.508G>A, p.Glu170Lys (NM_001365.5); c.298G>A, p.Glu100Lys (NM_001369566.3); short protein forms E100K, E124K, E127K, E167K, E170K, E67K.
Identifiers: ClinVar variation 3253170 (VCV003253170.1), dbSNP rs928035071.

ClinVar aggregate classification (germline): Uncertain significance (1 of 4 stars; one submission).

Allele frequency attached by ClinVar (database versions not stated): gnomAD exomes below 0.00001.
gnomAD v4.1: 1 of 1,613,292 alleles (0.000062%); highest among the groups gnomAD compares: South Asian, 0.0011%; no homozygotes.

Submission:

GeneDx
Classification: Uncertain significance. Last evaluated: 2024-01-02. Review status: criteria provided, single submitter. Criteria: GeneDx Variant Classification Process June 2021. Collection method: clinical testing. Allele origin: germline. Affected: yes.
Comment: Not observed at significant frequency in large population cohorts (gnomAD); In silico analysis supports that this missense variant has a deleterious effect on protein structure/function; Has not been previously published as pathogenic or benign to our knowledge